The following is an entry in ClinVar:

NM_000245.4(MET):c.628C>T (p.Pro210Ser)

Gene: MET (MET proto-oncogene, receptor tyrosine kinase; plus strand). Cytogenetic location: 7q31.2.
Variant type: single nucleotide variant.
Coding change: c.628C>T on transcript NM_000245.4 (MANE Select); coding-DNA position 628, C replaced by T.
Protein change: p.Pro210Ser; replaces proline 210 with serine.
Molecular consequence: missense variant. On other transcripts: intron variant (1).
Genome position (GRCh38, 1-based): chr7:116,699,712, C>T. VCF-style: chr7-116699712-C-T. GRCh37 (hg19) VCF-style: chr7-116339766-C-T.
Other names: c.628C>T, p.Pro210Ser (NM_001127500.3, NM_001324401.3); c.-91+27135C>T (NM_001324402.2); short protein forms P210S.
Identifiers: ClinVar variation 845103 (VCV000845103.12), dbSNP rs983457211, ClinGen allele CA164888727.

ClinVar aggregate classification (germline): Conflicting classifications of pathogenicity. Review status: criteria provided, conflicting classifications (1 of 4 stars). 2 submissions from 2 submitters: Uncertain significance (1); Likely benign (1). Last evaluated 2025-12-12.

Conditions:
Renal cell carcinoma. Identifiers: Orphanet 217071, MedGen C0007134, MeSH D002292, MONDO:0005086, HP:0005584.
Hereditary cancer-predisposing syndrome. Also called: Tumor predisposition; Hereditary neoplastic syndrome; Neoplastic Syndromes, Hereditary; Hereditary Cancer Syndrome. Identifiers: Orphanet 140162, MedGen C0027672, MeSH D009386, MONDO:0015356.

Allele frequency attached by ClinVar (database versions not stated): gnomAD exomes below 0.00001.
gnomAD v4.1: 2 of 1,614,010 alleles (0.00012%); highest among the groups gnomAD compares: Non-Finnish European, 0.00017%; no homozygotes.

Submissions (2):

Labcorp Genetics (formerly Invitae), Labcorp
Classification: Uncertain significance for Renal cell carcinoma. Last evaluated: 2025-12-12. Review status: criteria provided, single submitter. Criteria: Invitae Variant Classification Sherloc (09022015). Collection method: clinical testing. Allele origin: germline.
Comment: This sequence change replaces proline, which is neutral and non-polar, with serine, which is neutral and polar, at codon 210 of the MET protein (p.Pro210Ser). This variant is not present in population databases (gnomAD no frequency). This variant has not been reported in the literature in individuals affected with MET-related conditions. ClinVar contains an entry for this variant (Variation ID: 845103). Invitae Evidence Modeling of protein sequence and biophysical properties (such as structural, functional, and spatial information, amino acid conservation, physicochemical variation, residue mobility, and thermodynamic stability) indicates that this missense variant is not expected to disrupt MET protein function with a negative predictive value of 80%. In summary, the available evidence is currently insufficient to determine the role of this variant in disease. Therefore, it has been classified as a Variant of Uncertain Significance.

Ambry Genetics
Classification: Likely benign for Hereditary cancer-predisposing syndrome. Last evaluated: 2022-05-21. Review status: criteria provided, single submitter. Criteria: Ambry Variant Classification Scheme 2023. Collection method: clinical testing. Allele origin: germline.